The following is an entry in ClinVar:

ClinVar aggregate classification (germline): Uncertain significance. Review status: criteria provided, multiple submitters, no conflicts (2 of 4 stars). 2 submissions from 2 submitters: Uncertain significance (2). Last evaluated 2025-05-15.

gnomAD v4.1: 7 of 1,613,286 alleles (0.00043%); highest among the groups gnomAD compares: Non-Finnish European, 0.00059%; no homozygotes.

Submissions (2):

GeneDx
Classification: Uncertain significance. Last evaluated: 2025-05-15. Review status: criteria provided, single submitter. Criteria: GeneDx Variant Classification Process June 2021. Collection method: clinical testing. Allele origin: germline. Affected: yes.
Comment: Not observed at significant frequency in large population cohorts (gnomAD); In silico analysis supports that this missense variant has a deleterious effect on protein structure/function; Has not been previously published as pathogenic or benign to our knowledge

Labcorp Genetics (formerly Invitae), Labcorp
Classification: Uncertain significance. Last evaluated: 2024-10-08. Review status: criteria provided, single submitter. Criteria: Invitae Variant Classification Sherloc (09022015). Collection method: clinical testing. Allele origin: germline.
Comment: This sequence change replaces proline, which is neutral and non-polar, with arginine, which is basic and polar, at codon 1576 of the LRP5 protein (p.Pro1576Arg). This variant is not present in population databases (gnomAD no frequency). This variant has not been reported in the literature in individuals affected with LRP5-related conditions. ClinVar contains an entry for this variant (Variation ID: 1391222). Invitae Evidence Modeling of protein sequence and biophysical properties (such as structural, functional, and spatial information, amino acid conservation, physicochemical variation, residue mobility, and thermodynamic stability) indicates that this missense variant is not expected to disrupt LRP5 protein function with a negative predictive value of 95%. In summary, the available evidence is currently insufficient to determine the role of this variant in disease. Therefore, it has been classified as a Variant of Uncertain Significance.

NM_002335.4(LRP5):c.4727C>G (p.Pro1576Arg)

Gene: LRP5 (LDL receptor related protein 5; plus strand). Cytogenetic location: 11q13.2.
Variant type: single nucleotide variant.
Coding change: c.4727C>G on transcript NM_002335.4 (MANE Select); coding-DNA position 4727, C replaced by G.
Protein change: p.Pro1576Arg; replaces proline 1576 with arginine.
Molecular consequence: missense variant.
Genome position (GRCh38, 1-based): chr11:68,448,949, C>G. VCF-style: chr11-68448949-C-G. GRCh37 (hg19) VCF-style: chr11-68216417-C-G.
Other names: c.4727C>G (NM_002335.2); c.2984C>G, p.Pro995Arg (NM_001291902.2); short protein forms P1576R, P995R.
Identifiers: ClinVar variation 1391222 (VCV001391222.7), dbSNP rs1462417976, ClinGen allele CA381618416.